The following is an entry in ClinVar:

ClinVar aggregate classification (germline): Pathogenic (1 of 4 stars; one submission).

Conditions:
Hydatidiform mole, recurrent, 1 (HYDM1). Identifiers: Orphanet 254688, Orphanet 99927, MedGen C3463897, MONDO:0009273, OMIM 231090. Disease mechanism: loss of function.

gnomAD v4.1: 1 of 1,614,180 alleles (0.000062%); highest among the groups gnomAD compares: East Asian, 0.0022%; no homozygotes.

Submission:

3billion
Classification: Pathogenic for Hydatidiform mole, recurrent, 1. Last evaluated: 2024-11-27. Review status: criteria provided, single submitter. Criteria: ACMG Guidelines, 2015. Collection method: clinical testing. Allele origin: germline. Affected: yes.
Comment: The variant is observed at an extremely low frequency in the gnomAD v4.1.0 dataset (total allele frequency: <0.001%). Predicted Consequence/Location: Stop-gained (nonsense): predicted to result in a loss or disruption of normal protein function through nonsense-mediated decay (NMD) or protein truncation. Multiple pathogenic variants are reported downstream of the variant. Therefore, this variant is classified as Pathogenic according to the recommendation of ACMG/AMP guideline.

NM_001127255.2(NLRP7):c.818G>A (p.Trp273Ter)

Gene: NLRP7 (NLR family pyrin domain containing 7; minus strand). Cytogenetic location: 19q13.42.
Variant type: single nucleotide variant.
Coding change: c.818G>A on transcript NM_001127255.2 (MANE Select); coding-DNA position 818, G replaced by A.
Protein change: p.Trp273Ter; replaces tryptophan 273 with a stop codon.
Molecular consequence: nonsense.
Genome position (GRCh38, 1-based): chr19:54,940,001, C>T on the plus strand (G>A on the coding strand, the complement: NLRP7 is on the minus strand). VCF-style: chr19-54940001-C-T. GRCh37 (hg19) VCF-style: chr19-55451369-C-T.
Other names: c.818G>A, p.Trp273Ter (NM_001405531.1, NM_139176.4, NM_206828.4); short protein forms W273*.
Identifiers: ClinVar variation 4293511 (VCV004293511.1).